The following is an entry in ClinVar:

NM_001082486.2(ACD):c.805CCT[1] (p.Pro270del)

Gene: ACD (ACD shelterin complex subunit and telomerase recruitment factor; minus strand). Cytogenetic location: 16q22.1.
Variant type: Microsatellite.
Coding change: c.805CCT[1] on transcript NM_001082486.2 (MANE Select); one copy of the 3-base unit CCT starting at c.805; the reference has two copies in a row; one copy, 3 bases deleted.
Protein change: p.Pro270del; deletes proline 270.
Molecular consequence: inframe deletion. On other transcripts: intron variant (1).
Genome position (GRCh38, 1-based): chr16:67,658,574-67,658,576, AGG deleted on the plus strand (CCT on the coding strand, the reverse complement: ACD is on the minus strand); deleting any 3 consecutive bases within chr16:67,658,574-67,658,581 gives the same sequence; the position shown is the placement nearest the transcript's 3' end. VCF-style (leftmost placement, unchanged base first): chr16-67658573-AAGG-A. GRCh37 (hg19) VCF-style: chr16-67692476-AAGG-A.
Other names: c.796CCT[1], p.Pro267del (NM_022914.3); c.742+144_742+146del (NM_001410884.1); short protein forms P267del, P270del.
Identifiers: ClinVar variation 2883930 (VCV002883930.3), dbSNP rs762307705, ClinGen allele CA8114524.
Genomic context (GRCh38, chr16:67,658,573, plus strand): 5'-GACAGGCGGCAGTGAGTGCCTGTGACCTGTGCATCACCTCACCTGAGGAACTGGGTGAGG[AAGG>A]AGGAGAGGCTATGAGGGTCAGAGATAGGTCCTGCAGAGCCGGGTCTGGTGGGGGCAGCTC-3'

ClinVar aggregate classification (germline): Uncertain significance (1 of 4 stars; one submission).

Conditions:
Dyskeratosis congenita, autosomal dominant 6 (DKCA6). Identifiers: Orphanet 3322, MedGen C4225284, MONDO:0014690, OMIM 616553.

Submission:

Labcorp Genetics (formerly Invitae), Labcorp
Classification: Uncertain significance for Dyskeratosis congenita, autosomal dominant 6. Last evaluated: 2023-02-22. Review status: criteria provided, single submitter. Criteria: Invitae Variant Classification Sherloc (09022015). Collection method: clinical testing. Allele origin: germline.
Comment: In summary, the available evidence is currently insufficient to determine the role of this variant in disease. Therefore, it has been classified as a Variant of Uncertain Significance. Experimental studies and prediction algorithms are not available or were not evaluated, and the functional significance of this variant is currently unknown. This variant has not been reported in the literature in individuals affected with ACD-related conditions. This variant is present in population databases (rs762307705, gnomAD 0.02%). This variant, c.1066_1068del, results in the deletion of 1 amino acid(s) of the ACD protein (p.Pro356del), but otherwise preserves the integrity of the reading frame.